The following is an entry in ClinVar:

NM_001267550.2(TTN):c.89192del (p.Pro29731fs)

Genes: TTN (titin; minus strand), TTN-AS1 (TTN antisense RNA 1; plus strand). Cytogenetic location: 2q31.2.
Variant type: Deletion.
Coding change: c.89192del on transcript NM_001267550.2 (MANE Select); coding-DNA position 89192, one base deleted (C; older notation c.89192delC).
Protein change: p.Pro29731fs; shifts the reading frame from proline 29731.
Molecular consequence: frameshift variant.
Genome position (GRCh38, 1-based): chr2:178,553,919, G deleted on the plus strand (C on the coding strand, the reverse complement: TTN is on the minus strand); the first of 2 consecutive G bases (chr2:178,553,919-178,553,920); deleting either gives the same sequence. VCF-style (leftmost placement, unchanged base first): chr2-178553918-AG-A. GRCh37 (hg19) VCF-style: chr2-179418645-AG-A.
Other names: c.84269del, p.Pro28090fs (NM_001256850.1); c.61997del, p.Pro20666fs (NM_003319.4); c.81488del, p.Pro27163fs (NM_133378.4); c.62372del, p.Pro20791fs (NM_133432.3); c.62573del, p.Pro20858fs (NM_133437.4); c.61997delC (NM_003319.4); short protein forms P20791fs, P20666fs, P27163fs, P29731fs, P20858fs, P28090fs.
Identifiers: ClinVar variation 3975813 (VCV003975813.1).

ClinVar aggregate classification (germline): Likely pathogenic (1 of 4 stars; one submission).

Conditions:
Cardiovascular phenotype. Identifiers: MedGen CN230736.

Submission:

Ambry Genetics
Classification: Likely pathogenic for Cardiovascular phenotype. Last evaluated: 2025-05-16. Review status: criteria provided, single submitter. Criteria: Ambry Variant Classification Scheme 2023. Collection method: clinical testing. Allele origin: germline.
Comment: The c.61997delC variant, located in coding exon 160 of the TTN gene, results from a deletion of one nucleotide at nucleotide position 61997, causing a translational frameshift with a predicted alternate stop codon (p.P20666Lfs*11). This exon is located in the A-band region of the N2-B isoform of the titin protein and is constitutively expressed in TTN transcripts (percent spliced in or PSI 100%). This variant is considered to be rare based on population cohorts in the Genome Aggregation Database (gnomAD). This variant is expected to result in loss of function by premature protein truncation or nonsense-mediated mRNA decay. While truncating variants in TTN are present in 1-3% of the general population, truncating variants in the A-band are the most common cause of dilated cardiomyopathy (Herman DS et al. N. Engl. J. Med., 2012 Feb;366:619-28; Roberts AM et al. Sci Transl Med, 2015 Jan;7:270ra6). TTN truncating variants encoded in constitutive exons (PSI >90%) have been found to be significantly associated with DCM regardless of their position in titin (Schafer S et al. Nat. Genet., 2017 01;49:46-53; Akhtar MM et al. Circ Heart Fail, 2020 Oct;13:e006832; Massier M et al. Clin Genet, 2025 Jan). Based on the majority of available evidence to date, this variant is likely to be pathogenic.